The following is an entry in ClinVar:

ClinVar aggregate classification (germline): Benign/Likely benign. Review status: criteria provided, multiple submitters, no conflicts (2 of 4 stars). 5 submissions from 5 submitters: Benign (2); Likely benign (2). 1 of the submissions does not count toward it. Last evaluated 2026-01-29.

Conditions:
MYH2-related disorder. Also called: MYH2-related condition.
Myopathy, proximal, and ophthalmoplegia (CMYO6). Also called: CONGENITAL MYOPATHY 6 WITH OPHTHALMOPLEGIA; MYOPATHY WITH CONGENITAL JOINT CONTRACTURES, OPHTHALMOPLEGIA, AND RIMMED VACUOLES; INCLUSION BODY MYOPATHY 3, AUTOSOMAL DOMINANT. Identifiers: Orphanet 363677, Orphanet 79091, MedGen C1854106, MONDO:0011577, OMIM 605637.

Allele frequency attached by ClinVar (database versions not stated): ESP Exome Variant Server 0.00015; gnomAD 0.00032 and 0.00034; TOPMed 0.00076; ExAC 0.00093.
gnomAD v4.1: 391 of 1,614,084 alleles (0.024%); highest among the groups gnomAD compares: Admixed American, 0.59%; 3 homozygotes.

Submissions (5):

Labcorp Genetics (formerly Invitae), Labcorp
Classification: Benign for Myopathy, proximal, and ophthalmoplegia. Last evaluated: 2026-01-29. Review status: criteria provided, single submitter. Criteria: Invitae Variant Classification Sherloc (09022015). Collection method: clinical testing. Allele origin: germline.

Blueprint Genetics
Classification: Likely benign. Last evaluated: 2024-11-25. Review status: criteria provided, single submitter. Criteria: ACMG Guidelines, 2015. Collection method: clinical testing. Allele origin: germline.

Fulgent Genetics
Classification: Likely benign for Myopathy, proximal, and ophthalmoplegia. Last evaluated: 2022-01-13. Review status: criteria provided, single submitter. Criteria: ACMG Guidelines, 2015. Collection method: clinical testing. Allele origin: unknown.

Eurofins Ntd Llc (ga)
Classification: Benign. Last evaluated: 2015-02-13. Review status: criteria provided, single submitter. Criteria: EGL Classification Definitions 2015. Collection method: clinical testing. Allele origin: germline. Observed: 1 variant allele, 1 heterozygote.

PreventionGenetics, part of Exact Sciences
Classification: Benign for MYH2-related condition. Last evaluated: 2020-02-06. Review status: no assertion criteria provided. Collection method: clinical testing. Allele origin: germline. Not counted in ClinVar's aggregate classification.
Comment: This variant is classified as benign based on ACMG/AMP sequence variant interpretation guidelines (Richards et al. 2015 PMID: 25741868, with internal and published modifications).

NM_017534.6(MYH2):c.2304+7T>G

Genes: MYH2 (myosin heavy chain 2; minus strand), MYHAS (myosin heavy chain gene cluster antisense RNA; plus strand). Cytogenetic location: 17p13.1.
Variant type: single nucleotide variant.
Coding change: c.2304+7T>G on transcript NM_017534.6 (MANE Select); 7 bases into the intron after coding-DNA position 2304, T replaced by G.
Molecular consequence: intron variant.
Genome position (GRCh38, 1-based): chr17:10,533,502, A>C on the plus strand (T>G on the coding strand, the complement: MYH2 is on the minus strand). VCF-style: chr17-10533502-A-C. GRCh37 (hg19) VCF-style: chr17-10436819-A-C.
Other names: c.2304+7T>G (NM_001100112.2).
Identifiers: ClinVar variation 195517 (VCV000195517.25), dbSNP rs370223713, ClinGen allele CA201798.